The following is an entry in ClinVar:

ClinVar aggregate classification (germline): Uncertain significance (1 of 4 stars; one submission).

Submission:

Ambry Genetics
Classification: Uncertain significance. Last evaluated: 2026-02-23. Review status: criteria provided, single submitter. Criteria: Ambry Variant Classification Scheme 2023. Collection method: clinical testing. Allele origin: germline.
Comment: The p.R217K variant (also known as c.650G>A), located in coding exon 6 of the RAD51B gene, results from a G to A substitution at nucleotide position 650. The arginine at codon 217 is replaced by lysine, an amino acid with highly similar properties. This amino acid position is conserved. In addition, the in silico prediction for this alteration is inconclusive. Based on the available evidence, the clinical significance of this variant remains unclear.

NM_133510.4(RAD51B):c.650G>A (p.Arg217Lys)

Gene: RAD51B (RAD51 paralog B; plus strand). Cytogenetic location: 14q24.1.
Variant type: single nucleotide variant.
Coding change: c.650G>A on transcript NM_133510.4 (MANE Select); coding-DNA position 650, G replaced by A.
Protein change: p.Arg217Lys; replaces arginine 217 with lysine.
Molecular consequence: missense variant.
Genome position (GRCh38, 1-based): chr14:67,887,098, G>A. VCF-style: chr14-67887098-G-A. GRCh37 (hg19) VCF-style: chr14-68353815-G-A.
Other names: c.650G>A, p.Arg217Lys (NM_001321809.2, NM_001321810.2, NM_001321812.1 and 6 more transcripts); c.536G>A, p.Arg179Lys (NM_001321815.1); c.293G>A, p.Arg98Lys (NM_001321817.2); short protein forms R217K, R98K, R179K.
Identifiers: ClinVar variation 4826663 (VCV004826663.1).